The following is an entry in ClinVar:

NM_001012338.3(NTRK3):c.1686G>A (p.Pro562=)

Gene: NTRK3 (neurotrophic receptor tyrosine kinase 3; minus strand). Cytogenetic location: 15q25.3.
Variant type: single nucleotide variant.
Coding change: c.1686G>A on transcript NM_001012338.3 (MANE Select); coding-DNA position 1686, G replaced by A.
Protein change: p.Pro562=; no amino-acid change (proline 562 retained).
Molecular consequence: synonymous variant.
Genome position (GRCh38, 1-based): chr15:87,940,653, C>T on the plus strand (G>A on the coding strand, the complement: NTRK3 is on the minus strand). VCF-style: chr15-87940653-C-T. GRCh37 (hg19) VCF-style: chr15-88483884-C-T.
Other names: c.1686G>A, p.Pro562= (NM_001007155.1, NM_001375810.1, NM_001375811.1 and 1 more transcripts); c.1662G>A, p.Pro554= (NM_001243101.2, NM_001375812.1); c.1392G>A, p.Pro464= (NM_001320135.2).
Identifiers: ClinVar variation 3039281 (VCV003039281.2), dbSNP rs368701031, ClinGen allele CA7716740.

ClinVar aggregate classification (germline): Likely benign (0 of 4 stars; one submission).

Conditions:
NTRK3-related disorder. Also called: NTRK3-related condition.

Allele frequency attached by ClinVar (database versions not stated): TOPMed 0.00020; gnomAD 0.00025; 1000 Genomes Project 30x 0.00094; ExAC 0.00099; 1000 Genomes Project 0.00100.
gnomAD v4.1: 769 of 1,614,016 alleles (0.048%); highest among the groups gnomAD compares: South Asian, 0.5%; 2 homozygotes.

Submission:

PreventionGenetics, part of Exact Sciences
Classification: Likely benign for NTRK3-related condition. Last evaluated: 2019-04-25. Review status: no assertion criteria provided. Collection method: clinical testing. Allele origin: germline.
Comment: This variant is classified as likely benign based on ACMG/AMP sequence variant interpretation guidelines (Richards et al. 2015 PMID: 25741868, with internal and published modifications).